The following is an entry in ClinVar:

ClinVar aggregate classification (germline): Uncertain significance (1 of 4 stars; one submission).

Conditions:
Joubert syndrome 21 (JBTS21). Identifiers: MedGen C3810212, MONDO:0014288, OMIM 615636.

Allele frequency attached by ClinVar (database versions not stated): gnomAD 0.00001; gnomAD exomes 0.00001.
gnomAD v4.1: 9 of 1,552,330 alleles (0.00058%); highest among the groups gnomAD compares: South Asian, 0.0088%; no homozygotes.

Submission:

Labcorp Genetics (formerly Invitae), Labcorp
Classification: Uncertain significance for Joubert syndrome 21. Last evaluated: 2023-07-17. Review status: criteria provided, single submitter. Criteria: Invitae Variant Classification Sherloc (09022015). Collection method: clinical testing. Allele origin: germline.
Comment: This sequence change replaces lysine, which is basic and polar, with glutamic acid, which is acidic and polar, at codon 649 of the CSPP1 protein (p.Lys649Glu). In summary, the available evidence is currently insufficient to determine the role of this variant in disease. Therefore, it has been classified as a Variant of Uncertain Significance. Algorithms developed to predict the effect of missense changes on protein structure and function output the following: SIFT: "Not Available"; PolyPhen-2: "Benign"; Align-GVGD: "Not Available". The glutamic acid amino acid residue is found in multiple mammalian species, which suggests that this missense change does not adversely affect protein function. This variant has not been reported in the literature in individuals affected with CSPP1-related conditions. This variant is not present in population databases (gnomAD no frequency).

NM_001382391.1(CSPP1):c.1960A>G (p.Lys654Glu)

Gene: CSPP1 (centrosome and spindle pole associated protein 1; plus strand). Cytogenetic location: 8q13.2.
Variant type: single nucleotide variant.
Coding change: c.1960A>G on transcript NM_001382391.1 (MANE Select); coding-DNA position 1960, A replaced by G.
Protein change: p.Lys654Glu; replaces lysine 654 with glutamic acid.
Molecular consequence: missense variant.
Genome position (GRCh38, 1-based): chr8:67,137,588, A>G. VCF-style: chr8-67137588-A-G. GRCh37 (hg19) VCF-style: chr8-68049823-A-G.
Other names: c.1945A>G, p.Lys649Glu (NM_024790.7); c.1063A>G, p.Lys355Glu (NM_001291339.2); c.1879A>G, p.Lys627Glu (NM_001363131.2); c.1918A>G, p.Lys640Glu (NM_001363132.2); c.1837A>G, p.Lys613Glu (NM_001363133.2); c.2026A>G, p.Lys676Glu (NM_001364869.1); c.1846A>G, p.Lys616Glu (NM_001364870.1); short protein forms K616E, K649E, K640E, K613E, K676E, K355E, K627E, K654E.
Identifiers: ClinVar variation 2796399 (VCV002796399.3), dbSNP rs1822608363, ClinGen allele CA371206023.